The following is an entry in ClinVar:

NM_001378454.1(ALMS1):c.4221C>T (p.Asn1407=)

Gene: ALMS1 (ALMS1 centrosome and basal body associated protein; plus strand). Cytogenetic location: 2p13.1.
Variant type: single nucleotide variant.
Coding change: c.4221C>T on transcript NM_001378454.1 (MANE Select); coding-DNA position 4221, C replaced by T.
Protein change: p.Asn1407=; no amino-acid change (asparagine 1407 retained).
Molecular consequence: synonymous variant.
Genome position (GRCh38, 1-based): chr2:73,450,748, C>T. VCF-style: chr2-73450748-C-T. GRCh37 (hg19) VCF-style: chr2-73677875-C-T.
Other names: c.4224C>T, p.Asn1408= (NM_015120.4).
Identifiers: ClinVar variation 1593308 (VCV001593308.24), dbSNP rs761902133, ClinGen allele CA1713660.
Genomic context (GRCh38, chr2:73,450,748, plus strand): 5'-GCCGAGTATTTTCTACCAACAGTCGTTGCCAGGTAGTCATCTAACTGAAGAGGCTAAGAA[C>T]GTTTCAGCGGTTCCTGGACCAGGTGACCGGAAGACTGGGATACCAACTTTACCCTCTACT-3'
Protein context (NP_001365383.1, residues 1397-1417): PGSHLTEEAK[Asn1407=]VSAVPGPGDR

ClinVar aggregate classification (germline): Likely benign. Review status: criteria provided, multiple submitters, no conflicts (2 of 4 stars). 4 submissions from 4 submitters: Likely benign (4). Last evaluated 2026-02-01.

Conditions:
Cardiovascular phenotype. Identifiers: MedGen CN230736.
Alstrom syndrome (ALMS). Identifiers: Orphanet 64, MedGen C0268425, MONDO:0008763, OMIM 203800.

Allele frequency attached by ClinVar (database versions not stated): ExAC 0.00002; gnomAD exomes 0.00002.

Submissions (4):

CeGaT Center for Human Genetics Tuebingen
Classification: Likely benign. Last evaluated: 2026-02-01. Review status: criteria provided, single submitter. Criteria: CeGaT Center For Human Genetics Tuebingen Variant Classification Criteria Version 2. Collection method: clinical testing. Allele origin: germline. Affected: yes. Observed: 2 variant alleles.
Comment: ALMS1: BP4, BP7

Labcorp Genetics (formerly Invitae), Labcorp
Classification: Likely benign for Alstrom syndrome. Last evaluated: 2025-08-26. Review status: criteria provided, single submitter. Criteria: Invitae Variant Classification Sherloc (09022015). Collection method: clinical testing. Allele origin: germline.

Fulgent Genetics
Classification: Likely benign for Alstrom syndrome. Last evaluated: 2022-01-07. Review status: criteria provided, single submitter. Criteria: ACMG Guidelines, 2015. Collection method: clinical testing. Allele origin: unknown.

Ambry Genetics
Classification: Likely benign for Cardiovascular phenotype. Last evaluated: 2020-11-09. Review status: criteria provided, single submitter. Criteria: Ambry Variant Classification Scheme 2023. Collection method: clinical testing. Allele origin: germline.